The following is an entry in ClinVar:

ClinVar aggregate classification (germline): Uncertain significance (1 of 4 stars; one submission).

Conditions:
Dilated cardiomyopathy 1HH (CMD1HH). Identifiers: Orphanet 154, MedGen C3151293, MONDO:0013479, OMIM 613881.
Myofibrillar myopathy 6. Identifiers: Orphanet 199340, MedGen C2751831, MONDO:0013061, OMIM 612954.

Submission:

Labcorp Genetics (formerly Invitae), Labcorp
Classification: Uncertain significance for Dilated cardiomyopathy 1HH; Myofibrillar myopathy 6. Last evaluated: 2022-01-21. Review status: criteria provided, single submitter. Criteria: Invitae Variant Classification Sherloc (09022015). Collection method: clinical testing. Allele origin: germline.
Comment: This sequence change replaces glycine, which is neutral and non-polar, with valine, which is neutral and non-polar, at codon 278 of the BAG3 protein (p.Gly278Val). This variant is not present in population databases (gnomAD no frequency). This variant has not been reported in the literature in individuals affected with BAG3-related conditions. Algorithms developed to predict the effect of missense changes on protein structure and function are either unavailable or do not agree on the potential impact of this missense change (SIFT: "Tolerated"; PolyPhen-2: "Possibly Damaging"; Align-GVGD: "Class C0"). In summary, the available evidence is currently insufficient to determine the role of this variant in disease. Therefore, it has been classified as a Variant of Uncertain Significance.

NM_004281.4(BAG3):c.833G>T (p.Gly278Val)

Gene: BAG3 (BAG cochaperone 3; plus strand). Cytogenetic location: 10q26.11.
Variant type: single nucleotide variant.
Coding change: c.833G>T on transcript NM_004281.4 (MANE Select); coding-DNA position 833, G replaced by T.
Protein change: p.Gly278Val; replaces glycine 278 with valine.
Molecular consequence: missense variant.
Genome position (GRCh38, 1-based): chr10:119,672,580, G>T. VCF-style: chr10-119672580-G-T. GRCh37 (hg19) VCF-style: chr10-121432092-G-T.
Other names: short protein forms G278V.
Identifiers: ClinVar variation 2088459 (VCV002088459.4), dbSNP rs200232102, ClinGen allele CA378295892.